The following is an entry in ClinVar:

ClinVar aggregate classification (germline): Uncertain significance (1 of 4 stars; one submission).

Conditions:
Ataxia-telangiectasia syndrome (AT). Also called: Cerebello-oculocutaneous telangiectasia; Immunodeficiency with ataxia telangiectasia; AT, COMPLEMENTATION GROUP C; ATAXIA-TELANGIECTASIA, COMPLEMENTATION GROUP A; ATAXIA-TELANGIECTASIA, FRESNO VARIANT; LOUIS-BAR SYNDROME. Identifiers: Orphanet 100, MedGen C0004135, MONDO:0008840, OMIM 208900.

Submission:

Labcorp Genetics (formerly Invitae), Labcorp
Classification: Uncertain significance for Ataxia-telangiectasia syndrome. Last evaluated: 2021-06-02. Review status: criteria provided, single submitter. Criteria: Invitae Variant Classification Sherloc (09022015). Collection method: clinical testing. Allele origin: germline.
Comment: In summary, the available evidence is currently insufficient to determine the role of this variant in disease. Therefore, it has been classified as a Variant of Uncertain Significance. Advanced modeling of protein sequence and biophysical properties (such as structural, functional, and spatial information, amino acid conservation, physicochemical variation, residue mobility, and thermodynamic stability) performed at Invitae indicates that this missense variant is not expected to disrupt ATM protein function. This variant has not been reported in the literature in individuals with ATM-related conditions. This variant is not present in population databases (ExAC no frequency). This sequence change replaces threonine with asparagine at codon 242 of the ATM protein (p.Thr242Asn). The threonine residue is weakly conserved and there is a small physicochemical difference between threonine and asparagine.

NM_000051.4(ATM):c.725C>A (p.Thr242Asn)

Gene: ATM (ATM serine/threonine kinase; plus strand). Cytogenetic location: 11q22.3.
Variant type: single nucleotide variant.
Coding change: c.725C>A on transcript NM_000051.4 (MANE Select); coding-DNA position 725, C replaced by A.
Protein change: p.Thr242Asn; replaces threonine 242 with asparagine.
Molecular consequence: missense variant.
Genome position (GRCh38, 1-based): chr11:108,244,850, C>A. VCF-style: chr11-108244850-C-A. GRCh37 (hg19) VCF-style: chr11-108115577-C-A.
Other names: c.725C>A, p.Thr242Asn (NM_001351834.2); short protein forms T242N.
Identifiers: ClinVar variation 1496038 (VCV001496038.8), dbSNP rs2135238871, ClinGen allele CA382529222.
Genomic context (GRCh38, chr11:108,244,850, plus strand): 5'-AAGAAAAGAGCTCTTCAGGTCTAAATCATATCTTAGCAGCTCTTACTATCTTCCTCAAGA[C>A]TTTGGCTGTCAACTTTCGAATTCGAGTGTGTGAATTAGGAGATGAAATTCTTCCCACTTT-3'
Protein context (NP_000042.3, residues 232-252): ILAALTIFLK[Thr242Asn]LAVNFRIRVC